The following is an entry in ClinVar:

ClinVar aggregate classification (germline): Pathogenic (1 of 4 stars; one submission).

Conditions:
Hereditary diffuse gastric adenocarcinoma (HDGC). Also called: DIFFUSE GASTRIC AND LOBULAR BREAST CANCER SYNDROME. Identifiers: Orphanet 26106, MedGen C1708349, MONDO:0007648, OMIM 137215.

Submission:

Myriad Genetics, Inc.
Classification: Pathogenic for Hereditary diffuse gastric adenocarcinoma. Last evaluated: 2023-02-09. Review status: criteria provided, single submitter. Criteria: Myriad Autosomal Dominant, Autosomal Recessive and X-Linked Classification Criteria (2023). Collection method: clinical testing. Allele origin: unknown.
Comment: This variant is considered pathogenic. This variant creates a frameshift predicted to result in premature protein truncation.

NM_004360.5(CDH1):c.259dup (p.Arg87fs)

Gene: CDH1 (cadherin 1; plus strand). Cytogenetic location: 16q22.1.
Variant type: Duplication.
Coding change: c.259dup on transcript NM_004360.5 (MANE Select); coding-DNA position 259, one base duplicated (A; older notation c.259dupA).
Protein change: p.Arg87fs; shifts the reading frame from arginine 87.
Molecular consequence: frameshift variant. On other transcripts: 5 prime UTR variant (2).
Genome position (GRCh38, 1-based): chr16:68,801,765, A duplicated; the last of 4 consecutive A bases (chr16:68,801,762-68,801,765); duplicating any one gives the same sequence. VCF-style (leftmost placement, unchanged base first): chr16-68801761-C-CA. GRCh37 (hg19) VCF-style: chr16-68835664-C-CA.
Other names: c.259dup, p.Arg87fs (NM_001317184.2); c.-1357dup (NM_001317185.2); c.-1561dup (NM_001317186.2); short protein forms R87fs.
Identifiers: ClinVar variation 2573310 (VCV002573310.1), dbSNP rs2543905068, ClinGen allele CA2580612824.